The following continues an entry in ClinVar:

NM_000277.3(PAH):c.896T>G (p.Phe299Cys)

ClinVar aggregate classification (germline): Pathogenic. Pathogenic (13).

Submissions 12 to 16 of 16:

Eurofins Ntd Llc (ga)
Classification: Pathogenic. Last evaluated: 2015-01-08. Review status: criteria provided, single submitter. Criteria: EGL Classification Definitions 2015. Collection method: clinical testing. Allele origin: germline. Observed: 16 variant alleles, 16 heterozygotes.

UNC Molecular Genetics  Laboratory, University of North Carolina at Chapel Hill
Classification: Pathogenic for Phenylketonuria. Review status: criteria provided, single submitter. Criteria: ACMG Guidelines, 2015. Collection method: research. Allele origin: germline. Affected: yes. Observed: 1 variant allele. Study: NSIGHT-NC NEXUS.
Comment: The PAH c.896T>G (p.F299C) missense variant has been reported in the homozygous or compound heterozygous state in multiple individuals with phenylketonuria (PMID: 8659548; 12655553; 1312992).

Counsyl
Classification: Pathogenic for Phenylketonuria. Last evaluated: 2016-07-18. Review status: no assertion criteria provided. Collection method: clinical testing. Allele origin: unknown. Not counted in ClinVar's aggregate classification.

OMIM
Classification: Pathogenic for PHENYLKETONURIA. Last evaluated: 1992-03-01. Review status: no assertion criteria provided. Collection method: literature only. Allele origin: germline. Not counted in ClinVar's aggregate classification.

DeBelle Laboratory for Biochemical Genetics, MUHC/MCH RESEARCH INSTITUTE
No classification provided. Review status: no classification provided. Collection method: not provided. Allele origin: not provided. Not counted in ClinVar's aggregate classification.

Literature cited by the submitters: PubMed 7726156 (cited by Labcorp Genetics (formerly Invitae), Labcorp and Mayo Clinic Laboratories, Mayo Clinic); PubMed 8831077 (cited by 3 submitters); PubMed 9012412 (cited by Labcorp Genetics (formerly Invitae), Labcorp); PubMed 9781015 (cited by 4 submitters); PubMed 12173030 (cited by 4 submitters); PubMed 1312992 (cited by 7 submitters); PubMed 26666653 (cited by 4 submitters); PubMed 8304187 (cited by Labcorp Genetics (formerly Invitae), Labcorp and Counsyl); PubMed 24368688 (cited by Natera, Inc.); PubMed 11385716 (cited by 3 submitters); PubMed 12655553 (cited by 4 submitters); PubMed 16176881 (cited by Mayo Clinic Laboratories, Mayo Clinic and Quest Diagnostics Nichols Institute San Juan Capistrano); PubMed 17924342 (cited by 3 submitters); PubMed 23430918 (cited by 3 submitters); PubMed 32668217 (cited by Mayo Clinic Laboratories, Mayo Clinic and Quest Diagnostics Nichols Institute San Juan Capistrano); PubMed 32778825 (cited by Mayo Clinic Laboratories, Mayo Clinic); PubMed 32853555 (cited by Mayo Clinic Laboratories, Mayo Clinic and Quest Diagnostics Nichols Institute San Juan Capistrano); PubMed 34405919 (cited by Mayo Clinic Laboratories, Mayo Clinic); PubMed 37447372 (cited by Mayo Clinic Laboratories, Mayo Clinic); PubMed 38068761 (cited by Mayo Clinic Laboratories, Mayo Clinic); PubMed 38555716 (cited by Mayo Clinic Laboratories, Mayo Clinic); PubMed 9399896 (cited by Mayo Clinic Laboratories, Mayo Clinic and Quest Diagnostics Nichols Institute San Juan Capistrano); PubMed 9634518 (cited by 3 submitters); PubMed 12649065 (cited by Quest Diagnostics Nichols Institute San Juan Capistrano); PubMed 9391881 (cited by 3 submitters); PubMed 10980574 (cited by Quest Diagnostics Nichols Institute San Juan Capistrano and Counsyl); PubMed 8632937 (cited by Quest Diagnostics Nichols Institute San Juan Capistrano and Counsyl); PubMed 8533759 (cited by 3 submitters); PubMed 7913581 (cited by Quest Diagnostics Nichols Institute San Juan Capistrano and Counsyl); PubMed 9792411 (cited by Illumina Laboratory Services, Illumina); PubMed 20301677 (cited by UNC Molecular Genetics  Laboratory, University of North Carolina at Chapel Hill); PubMed 8659548 (cited by UNC Molecular Genetics  Laboratory, University of North Carolina at Chapel Hill); PubMed 8889590 (cited by Counsyl); PubMed 9642259 (cited by Counsyl); PubMed 1301187 (cited by Counsyl); Okano, Y., Wang, T., Eisensmith, R. C., Woo, S. L. C. PKU mutations among Caucasians. (Abstract) Am. J. Hum. Genet. 45: A211-only, 1989. (cited by OMIM).